The following is an entry in ClinVar:

NM_000284.4(PDHA1):c.-88G>A

Gene: PDHA1 (pyruvate dehydrogenase E1 subunit alpha 1; plus strand). Cytogenetic location: Xp22.12.
Variant type: single nucleotide variant.
Coding change: c.-88G>A on transcript NM_000284.4 (MANE Select); 88 bases upstream of the start codon, G replaced by A.
Molecular consequence: 5 prime UTR variant.
Genome position (GRCh38, 1-based): chrX:19,343,950, G>A. VCF-style: chrX-19343950-G-A. GRCh37 (hg19) VCF-style: chrX-19362068-G-A.
Other names: c.-88G>A (NM_001173454.2, NM_001173455.2, NM_001173456.2).
Identifiers: ClinVar variation 914925 (VCV000914925.8), dbSNP rs5955751, ClinGen allele CA327020337.
Genomic context (GRCh38, chrX:19,343,950, plus strand): 5'-CGCAGCGCATGACGTTATTACGACTCTGTCACGCCGCGGTGCGACTGAGGCGTGGCGTCT[G>A]CTGGGGCACCTGAAGGAGACTTGGGGGCACCCGCGTCGTGCCTCCTGGGTTGTGAGGAGT-3'

ClinVar aggregate classification (germline): Benign. Review status: criteria provided, multiple submitters, no conflicts (2 of 4 stars). 3 submissions from 3 submitters: Benign (3). Last evaluated 2017-04-28.

Conditions:
Pyruvate dehydrogenase E1-alpha deficiency (PDHAD). Also called: Ataxia, intermittent, with pyruvate dehydrogenase, or decarboxylase, deficiency; ATAXIA, INTERMITTENT, WITH PYRUVATE DEHYDROGENASE DEFICIENCY; ATAXIA WITH LACTIC ACIDOSIS I; ATAXIA, INTERMITTENT, WITH ABNORMAL PYRUVATE METABOLISM. Identifiers: Orphanet 79243, MedGen C1839413, MONDO:0010717, OMIM 312170.

Allele frequency attached by ClinVar (database versions not stated): gnomAD exomes 0.03364; gnomAD 0.03606 and 0.03749; TOPMed 0.03965; 1000 Genomes Project 30x 0.05869; 1000 Genomes Project 0.05881.
gnomAD v4.1: 29,479 of 857,001 alleles (3.4%); highest among the groups gnomAD compares: South Asian, 14%; 549 homozygotes.

Submissions (3):

Illumina Laboratory Services, Illumina
Classification: Benign for Pyruvate dehydrogenase E1-alpha deficiency. Last evaluated: 2017-04-28. Review status: criteria provided, single submitter. Criteria: ICSL Variant Classification Criteria 13 December 2019. Collection method: clinical testing. Allele origin: germline.
Comment: This variant was observed as part of a predisposition screen in an ostensibly healthy population. A literature search was performed for the gene, cDNA change, and amino acid change (where applicable). No publications were found based on this search. Allele frequency data from public databases was too high to be consistent with this variant causing disease. Therefore, this variant is classified as benign.

GeneDx
Classification: Benign. Last evaluated: 2015-03-03. Review status: criteria provided, single submitter. Criteria: GeneDx Variant Classification Process June 2021. Collection method: clinical testing. Allele origin: germline. Affected: yes.

Breakthrough Genomics
Classification: Benign. Review status: criteria provided, single submitter. Criteria: ACMG Guidelines, 2015. Collection method: not provided. Allele origin: germline. Inheritance: X-linked inheritance. Affected: yes.